The following is an entry in ClinVar:

ClinVar aggregate classification (germline): Uncertain significance. Review status: criteria provided, multiple submitters, no conflicts (2 of 4 stars). 3 submissions from 3 submitters: Uncertain significance (3). Last evaluated 2024-08-09.

Conditions:
Hereditary cancer-predisposing syndrome. Also called: Neoplastic Syndromes, Hereditary; Tumor predisposition; Hereditary neoplastic syndrome; Hereditary Cancer Syndrome. Identifiers: Orphanet 140162, MedGen C0027672, MeSH D009386, MONDO:0015356.
Familial adenomatous polyposis 1 (FAP1). Also called: POLYPOSIS, ADENOMATOUS INTESTINAL; FAMILIAL ADENOMATOUS POLYPOSIS 1, ATTENUATED. Identifiers: MedGen C2713442, MONDO:0021056, OMIM 175100. Disease mechanism: loss of function.

Allele frequency attached by ClinVar (database versions not stated): gnomAD exomes below 0.00001; TOPMed below 0.00001.
gnomAD v4.1: 1 of 1,608,948 alleles (0.000062%); highest among the groups gnomAD compares: East Asian, 0.0022%; no homozygotes.

Submissions (3):

Ambry Genetics
Classification: Uncertain significance for Hereditary cancer-predisposing syndrome. Last evaluated: 2024-08-09. Review status: criteria provided, single submitter. Criteria: Ambry Variant Classification Scheme 2023. Collection method: clinical testing. Allele origin: germline.
Comment: The c.1958+4T>C intronic variant results from a T to C substitution 4 nucleotides after coding exon 14 in the APC gene. This nucleotide position is not well conserved in available vertebrate species. In silico splice site analysis predicts that this alteration will not have any significant effect on splicing. Based on the available evidence, the clinical significance of this variant remains unclear.

Quest Diagnostics Nichols Institute San Juan Capistrano
Classification: Uncertain significance. Last evaluated: 2023-10-04. Review status: criteria provided, single submitter. Criteria: Quest Diagnostics criteria. Collection method: clinical testing. Allele origin: unknown.

Labcorp Genetics (formerly Invitae), Labcorp
Classification: Uncertain significance for Familial adenomatous polyposis 1. Last evaluated: 2023-03-19. Review status: criteria provided, single submitter. Criteria: Invitae Variant Classification Sherloc (09022015). Collection method: clinical testing. Allele origin: germline.
Comment: In summary, the available evidence is currently insufficient to determine the role of this variant in disease. Therefore, it has been classified as a Variant of Uncertain Significance. Variants that disrupt the consensus splice site are a relatively common cause of aberrant splicing (PMID: 17576681, 9536098). Algorithms developed to predict the effect of sequence changes on RNA splicing suggest that this variant is not likely to affect RNA splicing. ClinVar contains an entry for this variant (Variation ID: 1367247). This variant has not been reported in the literature in individuals affected with APC-related conditions. This variant is present in population databases (no rsID available, gnomAD 0.0009%). This sequence change falls in intron 15 of the APC gene. It does not directly change the encoded amino acid sequence of the APC protein. It affects a nucleotide within the consensus splice site.

Literature cited by the submitters: PubMed 17576681 (cited by Labcorp Genetics (formerly Invitae), Labcorp); PubMed 9536098 (cited by Labcorp Genetics (formerly Invitae), Labcorp).

NM_000038.6(APC):c.1958+4T>C

Gene: APC (APC regulator of Wnt signaling pathway; plus strand). Cytogenetic location: 5q22.2.
Variant type: single nucleotide variant.
Coding change: c.1958+4T>C on transcript NM_000038.6 (MANE Select); 4 bases into the intron after coding-DNA position 1958, T replaced by C.
Molecular consequence: intron variant.
Genome position (GRCh38, 1-based): chr5:112,835,169, T>C. VCF-style: chr5-112835169-T-C. GRCh37 (hg19) VCF-style: chr5-112170866-T-C.
Other names: c.1958+4T>C (NM_001354895.2, NM_001127510.3, NM_000038.5); c.1988+4T>C (NM_001354897.2); c.1685+4T>C (NM_001354902.2); c.1904+4T>C (NM_001127511.3); c.1883+4T>C (NM_001354898.2); c.1580+4T>C (NM_001354904.2); c.1109+4T>C (NM_001354906.2); c.2012+4T>C (NM_001354896.2); and 5 more.
Identifiers: ClinVar variation 1367247 (VCV001367247.9), dbSNP rs1411717516, ClinGen allele CA562217595.
Genomic context (GRCh38, chr5:112,835,169, plus strand): 5'-TGGAGGTGGGATATTACGGAATGTGTCCAGCTTGATAGCTACAAATGAGGACCACAGGTA[T>C]ATATAGAGTTTTATATTACTTTTAAAGTACAGAATTCATACTCTCAAAAAGACCTAATTG-3'